The following is an entry in ClinVar:

ClinVar aggregate classification (germline): Uncertain significance (1 of 4 stars; one submission).

Allele frequency attached by ClinVar (database versions not stated): TOPMed below 0.00001; gnomAD 0.00001; gnomAD exomes 0.00001; ExAC 0.00003.

Submission:

Labcorp Genetics (formerly Invitae), Labcorp
Classification: Uncertain significance. Last evaluated: 2023-11-18. Review status: criteria provided, single submitter. Criteria: Invitae Variant Classification Sherloc (09022015). Collection method: clinical testing. Allele origin: germline.
Comment: This sequence change replaces proline, which is neutral and non-polar, with serine, which is neutral and polar, at codon 171 of the MAFB protein (p.Pro171Ser). The frequency data for this variant in the population databases is considered unreliable, as metrics indicate poor data quality at this position in the gnomAD database. This variant has not been reported in the literature in individuals affected with MAFB-related conditions. Advanced modeling of protein sequence and biophysical properties (such as structural, functional, and spatial information, amino acid conservation, physicochemical variation, residue mobility, and thermodynamic stability) performed at Invitae indicates that this missense variant is not expected to disrupt MAFB protein function with a negative predictive value of 80%. In summary, the available evidence is currently insufficient to determine the role of this variant in disease. Therefore, it has been classified as a Variant of Uncertain Significance.

NM_005461.5(MAFB):c.511C>T (p.Pro171Ser)

Gene: MAFB (MAF bZIP transcription factor B; minus strand). Cytogenetic location: 20q12.
Variant type: single nucleotide variant.
Coding change: c.511C>T on transcript NM_005461.5 (MANE Select); coding-DNA position 511, C replaced by T.
Protein change: p.Pro171Ser; replaces proline 171 with serine.
Molecular consequence: missense variant.
Genome position (GRCh38, 1-based): chr20:40,688,340, G>A on the plus strand (C>T on the coding strand, the complement: MAFB is on the minus strand). VCF-style: chr20-40688340-G-A. GRCh37 (hg19) VCF-style: chr20-39316980-G-A.
Other names: short protein forms P171S.
Identifiers: ClinVar variation 2999771 (VCV002999771.3), dbSNP rs766287913, ClinGen allele CA9857780.
Genomic context (GRCh38, chr20:40,688,340, plus strand): 5'-CGGGCCCGGGGTGGCTAGTGGGCAGCTGTTGCGCCGGGCTAGCGGCGCTGGACGGCGGCG[G>A]CGACGCTTGGTGATGATGGTGATGGTGCGGGTGAGCGTGCGGGCCCAGCTCGTCGTGGGC-3'
Protein context (NP_005452.2, residues 161-181): PHHHHHHQAS[Pro171Ser]PPSSAASPAQ